The following is an entry in ClinVar:

ClinVar aggregate classification (germline): Likely pathogenic. Review status: criteria provided, multiple submitters, no conflicts (2 of 4 stars). 2 submissions from 2 submitters: Likely pathogenic (2). Last evaluated 2023-11-11.

Conditions:
Glycogen storage disease due to muscle and heart glycogen synthase deficiency. Also called: GSD 0b; MUSCLE GLYCOGEN SYNTHASE DEFICIENCY. Identifiers: Orphanet 137625, MedGen C1969054, MONDO:0012693, OMIM 611556.

Allele frequency attached by ClinVar (database versions not stated): TOPMed 0.00001; ESP Exome Variant Server 0.00008.

Submissions (2):

Labcorp Genetics (formerly Invitae), Labcorp
Classification: Likely pathogenic for Glycogen storage disease due to muscle and heart glycogen synthase deficiency. Last evaluated: 2023-11-11. Review status: criteria provided, single submitter. Criteria: Invitae Variant Classification Sherloc (09022015). Collection method: clinical testing. Allele origin: germline.
Comment: This sequence change affects a donor splice site in intron 13 of the GYS1 gene. It is expected to disrupt RNA splicing. Variants that disrupt the donor or acceptor splice site typically lead to a loss of protein function (PMID: 16199547), and loss-of-function variants in GYS1 are known to be pathogenic (PMID: 17928598, 19699667). This variant is not present in population databases (gnomAD no frequency). This variant has not been reported in the literature in individuals affected with GYS1-related conditions. ClinVar contains an entry for this variant (Variation ID: 2579599). Algorithms developed to predict the effect of sequence changes on RNA splicing suggest that this variant may disrupt the consensus splice site. In summary, the currently available evidence indicates that the variant is pathogenic, but additional data are needed to prove that conclusively. Therefore, this variant has been classified as Likely Pathogenic.

GeneDx
Classification: Likely pathogenic. Last evaluated: 2023-09-01. Review status: criteria provided, single submitter. Criteria: GeneDx Variant Classification Process June 2021. Collection method: clinical testing. Allele origin: germline. Affected: yes.
Comment: Canonical splice site variant predicted to result in an in-frame loss of the adjacent exon in a gene for which loss of function is a known mechanism of disease; Not observed at significant frequency in large population cohorts (gnomAD); Has not been previously published as pathogenic or benign to our knowledge

Literature cited by the submitters: PubMed 16199547 (cited by Labcorp Genetics (formerly Invitae), Labcorp); PubMed 17928598 (cited by Labcorp Genetics (formerly Invitae), Labcorp); PubMed 19699667 (cited by Labcorp Genetics (formerly Invitae), Labcorp).

NM_002103.5(GYS1):c.1645+1G>A

Genes: GYS1 (glycogen synthase 1; minus strand), LOC119369037 (CRISPRi-FlowFISH-validated FTL regulatory element 4; plus strand). Cytogenetic location: 19q13.33.
Variant type: single nucleotide variant.
Coding change: c.1645+1G>A on transcript NM_002103.5 (MANE Select); the canonical splice donor site of the intron after coding-DNA position 1645, G replaced by A.
Molecular consequence: splice donor variant.
Genome position (GRCh38, 1-based): chr19:48,970,927, C>T on the plus strand (G>A on the coding strand, the complement: GYS1 is on the minus strand). VCF-style: chr19-48970927-C-T. GRCh37 (hg19) VCF-style: chr19-49474184-C-T.
Other names: c.1453+1G>A (NM_001161587.2).
Identifiers: ClinVar variation 2579599 (VCV002579599.4), dbSNP rs370779569, ClinGen allele CA309384236.